The following is an entry in ClinVar:

NM_002439.5(MSH3):c.475A>G (p.Arg159Gly)

Gene: MSH3 (mutS homolog 3; plus strand). Cytogenetic location: 5q14.1.
Variant type: single nucleotide variant.
Coding change: c.475A>G on transcript NM_002439.5 (MANE Select); coding-DNA position 475, A replaced by G.
Protein change: p.Arg159Gly; replaces arginine 159 with glycine.
Molecular consequence: missense variant.
Genome position (GRCh38, 1-based): chr5:80,665,259, A>G. VCF-style: chr5-80665259-A-G. GRCh37 (hg19) VCF-style: chr5-79961078-A-G.
Other names: c.475A>G (NM_002439.3); short protein forms R159G.
Identifiers: ClinVar variation 936815 (VCV000936815.10), dbSNP rs1749543623, ClinGen allele CA360263691.

ClinVar aggregate classification (germline): Uncertain significance. Review status: criteria provided, multiple submitters, no conflicts (2 of 4 stars). 3 submissions from 3 submitters: Uncertain significance (3). Last evaluated 2024-11-03.

Conditions:
Hereditary cancer-predisposing syndrome. Also called: Tumor predisposition; Hereditary neoplastic syndrome; Hereditary Cancer Syndrome; Neoplastic Syndromes, Hereditary. Identifiers: Orphanet 140162, MedGen C0027672, MeSH D009386, MONDO:0015356.

Allele frequency attached by ClinVar (database versions not stated): gnomAD exomes below 0.00001.
gnomAD v4.1: 2 of 1,614,030 alleles (0.00012%); highest among the groups gnomAD compares: Non-Finnish European, 0.00017%; no homozygotes.

Submissions (3):

Ambry Genetics
Classification: Uncertain significance for Hereditary cancer-predisposing syndrome. Last evaluated: 2024-11-03. Review status: criteria provided, single submitter. Criteria: Ambry Variant Classification Scheme 2023. Collection method: clinical testing. Allele origin: germline.
Comment: The p.R159G variant (also known as c.475A>G), located in coding exon 3 of the MSH3 gene, results from an A to G substitution at nucleotide position 475. The arginine at codon 159 is replaced by glycine, an amino acid with dissimilar properties. This amino acid position is conserved. In addition, this alteration is predicted to be tolerated by in silico analysis. Based on the available evidence, the clinical significance of this variant remains unclear.

ARUP Laboratories, Molecular Genetics and Genomics, ARUP Laboratories
Classification: Uncertain significance. Last evaluated: 2023-05-25. Review status: criteria provided, single submitter. Criteria: ARUP Molecular Germline Variant Investigation Process 2024. Collection method: clinical testing. Allele origin: germline.
Comment: The MSH3 c.475A>G; p.Arg159Gly variant (rs1749543623), to our knowledge, is not reported in the medical literature but is reported in ClinVar (Variation ID: 936815). This variant is absent from the Genome Aggregation Database, indicating it is not a common polymorphism. Computational analyses predict that this variant is neutral (REVEL: 0.121). Due to limited information, the clinical significance of this variant is uncertain at this time.

Labcorp Genetics (formerly Invitae), Labcorp
Classification: Uncertain significance. Last evaluated: 2019-07-31. Review status: criteria provided, single submitter. Criteria: Invitae Variant Classification Sherloc (09022015). Collection method: clinical testing. Allele origin: germline.
Comment: In summary, the available evidence is currently insufficient to determine the role of this variant in disease. Therefore, it has been classified as a Variant of Uncertain Significance. Algorithms developed to predict the effect of missense changes on protein structure and function output the following: SIFT: "Tolerated"; PolyPhen-2: "Benign"; Align-GVGD: "Class C0". The glycine amino acid residue is found in multiple mammalian species, suggesting that this missense change does not adversely affect protein function. These predictions have not been confirmed by published functional studies and their clinical significance is uncertain. This variant has not been reported in the literature in individuals with MSH3-related conditions. This variant is not present in population databases (ExAC no frequency). This sequence change replaces arginine with glycine at codon 159 of the MSH3 protein (p.Arg159Gly). The arginine residue is moderately conserved and there is a moderate physicochemical difference between arginine and glycine.